The following is an entry in ClinVar:

ClinVar aggregate classification (germline): Uncertain significance. Review status: criteria provided, multiple submitters, no conflicts (2 of 4 stars). 7 submissions from 5 submitters: Uncertain significance (6). 1 of the submissions does not count toward it. Last evaluated 2023-04-11.

Conditions:
Inborn genetic diseases. Identifiers: MedGen C0950123, MeSH D030342.
Leber congenital amaurosis (LCA). Also called: Leber's amaurosis. Identifiers: Orphanet 65, MedGen C0339527, MeSH D057130, MONDO:0018998.
Leber congenital amaurosis 8 (LCA8). Identifiers: Orphanet 65, MedGen C3151202, MONDO:0013453, OMIM 613835.
Retinitis pigmentosa 12 (RP12). Also called: RP WITH OR WITHOUT PRESERVED PARAARTERIOLE RETINAL PIGMENT EPITHELIUM; RETINITIS PIGMENTOSA WITH OR WITHOUT PARAARTERIOLAR PRESERVATION OF RETINAL PIGMENT EPITHELIUM; RP WITH OR WITHOUT PPRPE. Identifiers: Orphanet 791, MedGen C1838647, MONDO:0010818, OMIM 600105.
Pigmented paravenous retinochoroidal atrophy. Identifiers: Orphanet 251295, MedGen C1868310, MONDO:0008246, OMIM 172870.

Allele frequency attached by ClinVar (database versions not stated): gnomAD exomes 0.00003 and 0.00009; ExAC 0.00012; ESP Exome Variant Server 0.00015; gnomAD 0.00019 and 0.00022; TOPMed 0.00024.
gnomAD v4.1: 68 of 1,614,052 alleles (0.0042%); highest among the groups gnomAD compares: African/African-American, 0.081%; no homozygotes.

Submissions (7):

Genome-Nilou Lab
Classification: Uncertain significance for Leber congenital amaurosis 8. Last evaluated: 2023-04-11. Review status: criteria provided, single submitter. Criteria: ACMG Guidelines, 2015. Collection method: clinical testing. Allele origin: germline. Affected: no.

Genome-Nilou Lab
Classification: Uncertain significance for Pigmented paravenous retinochoroidal atrophy. Last evaluated: 2023-04-11. Review status: criteria provided, single submitter. Criteria: ACMG Guidelines, 2015. Collection method: clinical testing. Allele origin: germline. Affected: no.

Genome-Nilou Lab
Classification: Uncertain significance for Retinitis pigmentosa 12. Last evaluated: 2023-04-11. Review status: criteria provided, single submitter. Criteria: ACMG Guidelines, 2015. Collection method: clinical testing. Allele origin: germline. Affected: no.

Ambry Genetics
Classification: Uncertain significance for Inborn genetic diseases. Last evaluated: 2023-03-02. Review status: criteria provided, single submitter. Criteria: Ambry Variant Classification Scheme 2023. Collection method: clinical testing. Allele origin: germline.

Labcorp Genetics (formerly Invitae), Labcorp
Classification: Uncertain significance for Leber congenital amaurosis 8; Retinitis pigmentosa 12. Last evaluated: 2022-09-13. Review status: criteria provided, single submitter. Criteria: Invitae Variant Classification Sherloc (09022015). Collection method: clinical testing. Allele origin: germline.
Comment: This sequence change replaces threonine, which is neutral and polar, with alanine, which is neutral and non-polar, at codon 484 of the CRB1 protein (p.Thr484Ala). This variant is present in population databases (rs144029476, gnomAD 0.09%). This variant has not been reported in the literature in individuals affected with CRB1-related conditions. ClinVar contains an entry for this variant (Variation ID: 1008091). Advanced modeling of protein sequence and biophysical properties (such as structural, functional, and spatial information, amino acid conservation, physicochemical variation, residue mobility, and thermodynamic stability) has been performed at Invitae for this missense variant, however the output from this modeling did not meet the statistical confidence thresholds required to predict the impact of this variant on CRB1 protein function. Algorithms developed to predict the effect of sequence changes on RNA splicing suggest that this variant may create or strengthen a splice site. In summary, the available evidence is currently insufficient to determine the role of this variant in disease. Therefore, it has been classified as a Variant of Uncertain Significance.

Blueprint Genetics
Classification: Uncertain significance. Last evaluated: 2022-09-07. Review status: criteria provided, single submitter. Criteria: ACMG Guidelines, 2015. Collection method: clinical testing. Allele origin: germline.

Natera, Inc.
Classification: Uncertain significance for Leber congenital amaurosis. Last evaluated: 2021-08-10. Review status: no assertion criteria provided. Collection method: clinical testing. Allele origin: germline. Not counted in ClinVar's aggregate classification.

NM_201253.3(CRB1):c.1450A>G (p.Thr484Ala)

Gene: CRB1 (crumbs cell polarity complex component 1; plus strand). Cytogenetic location: 1q31.3.
Variant type: single nucleotide variant.
Coding change: c.1450A>G on transcript NM_201253.3 (MANE Select); coding-DNA position 1450, A replaced by G.
Protein change: p.Thr484Ala; replaces threonine 484 with alanine.
Molecular consequence: missense variant. On other transcripts: non-coding transcript variant (2).
Genome position (GRCh38, 1-based): chr1:197,421,278, A>G. VCF-style: chr1-197421278-A-G. GRCh37 (hg19) VCF-style: chr1-197390408-A-G.
Other names: c.1114A>G, p.Thr372Ala (NM_001193640.2); c.1243A>G, p.Thr415Ala (NM_001257965.2); c.1450A>G, p.Thr484Ala (NM_001257966.2); c.1450A>G (NM_201253.2); short protein forms T372A, T415A, T484A.
Identifiers: ClinVar variation 1008091 (VCV001008091.7), dbSNP rs144029476, ClinGen allele CA1311922.